The following is an entry in ClinVar:

NM_014014.5(SNRNP200):c.4818C>T (p.Asp1606=)

Gene: SNRNP200 (small nuclear ribonucleoprotein U5 subunit 200; minus strand). Cytogenetic location: 2q11.2.
Variant type: single nucleotide variant.
Coding change: c.4818C>T on transcript NM_014014.5 (MANE Select); coding-DNA position 4818, C replaced by T.
Protein change: p.Asp1606=; no amino-acid change (aspartic acid 1606 retained).
Molecular consequence: synonymous variant.
Genome position (GRCh38, 1-based): chr2:96,283,298, G>A on the plus strand (C>T on the coding strand, the complement: SNRNP200 is on the minus strand). VCF-style: chr2-96283298-G-A. GRCh37 (hg19) VCF-style: chr2-96949036-G-A.
Other names: c.4818C>T (NM_014014.4).
Identifiers: ClinVar variation 1164843 (VCV001164843.12), dbSNP rs573289061, ClinGen allele CA1778125.

ClinVar aggregate classification (germline): Benign/Likely benign. Review status: criteria provided, multiple submitters, no conflicts (2 of 4 stars). 4 submissions from 4 submitters: Benign (2); Likely benign (2). Last evaluated 2026-06-19.

Conditions:
SNRNP200-related disorder. Also called: SNRNP200-related condition.
Retinal dystrophy. Also called: Inherited retinal dystrophy. Identifiers: Orphanet 71862, MedGen C0854723, MeSH D058499, MONDO:0019118, HP:0000556.

Allele frequency attached by ClinVar (database versions not stated): gnomAD 0.00001 and 0.00003; TOPMed 0.00002; gnomAD exomes 0.00016; ExAC 0.00020; 1000 Genomes Project 0.00060; 1000 Genomes Project 30x 0.00062.
gnomAD v4.1: 67 of 1,614,078 alleles (0.0042%); highest among the groups gnomAD compares: East Asian, 0.14%; no homozygotes.

Submissions (4):

PreventionGenetics, part of Exact Sciences
Classification: Likely benign for SNRNP200-related condition. Last evaluated: 2026-06-19. Review status: criteria provided, single submitter. Criteria: ACMG Guidelines, 2015. Collection method: clinical testing. Allele origin: germline.
Comment: This variant is classified as likely benign based on ACMG/AMP sequence variant interpretation guidelines (Richards et al. 2015 PMID: 25741868, with internal and published modifications).

Labcorp Genetics (formerly Invitae), Labcorp
Classification: Benign. Last evaluated: 2025-05-31. Review status: criteria provided, single submitter. Criteria: Invitae Variant Classification Sherloc (09022015). Collection method: clinical testing. Allele origin: germline.

Dept Of Ophthalmology, Nagoya University
Classification: Benign for Retinal dystrophy. Last evaluated: 2023-10-01. Review status: criteria provided, single submitter. Criteria: Submitter's publication. Collection method: research. Allele origin: germline. Affected: yes.

Blueprint Genetics
Classification: Likely benign. Last evaluated: 2023-07-25. Review status: criteria provided, single submitter. Criteria: ACMG Guidelines, 2015. Collection method: clinical testing. Allele origin: germline.